The following is an entry in ClinVar:

ClinVar aggregate classification (germline): Uncertain significance. Review status: criteria provided, multiple submitters, no conflicts (2 of 4 stars). 3 submissions from 3 submitters: Uncertain significance (3). Last evaluated 2023-12-27.

Conditions:
Hereditary cancer-predisposing syndrome. Also called: Hereditary neoplastic syndrome; Hereditary Cancer Syndrome; Neoplastic Syndromes, Hereditary; Tumor predisposition. Identifiers: Orphanet 140162, MedGen C0027672, MeSH D009386, MONDO:0015356.
Fanconi anemia complementation group J. Also called: BRIP1-Related Fanconi Anemia. Identifiers: Orphanet 84, MedGen C1836860, MONDO:0012187, OMIM 609054.
Familial cancer of breast. Also called: Hereditary breast cancer; BREAST CANCER, FAMILIAL; hereditary breast carcinoma. Identifiers: Orphanet 227535, MedGen C0346153, MONDO:0016419, OMIM 114480. Disease mechanism: loss of function.

Submissions (3):

Color Diagnostics, LLC DBA Color Health
Classification: Uncertain significance for Hereditary cancer-predisposing syndrome. Last evaluated: 2023-12-27. Review status: criteria provided, single submitter. Criteria: ACMG Guidelines, 2015. Collection method: clinical testing. Allele origin: germline.
Comment: This missense variant replaces aspartic acid with tyrosine at codon 1080 of the BRIP1 protein. Computational prediction suggests that this variant may not impact protein structure and function (internally defined REVEL score threshold <= 0.5, PMID: 27666373). To our knowledge, functional studies have not been reported for this variant. This variant has not been reported in individuals affected with BRIP1-related disorders in the literature. This variant has not been identified in the general population by the Genome Aggregation Database (gnomAD). The available evidence is insufficient to determine the role of this variant in disease conclusively. Therefore, this variant is classified as a Variant of Uncertain Significance.

GeneDx
Classification: Uncertain significance. Last evaluated: 2023-04-12. Review status: criteria provided, single submitter. Criteria: GeneDx Variant Classification Process June 2021. Collection method: clinical testing. Allele origin: germline. Affected: yes.
Comment: Not observed at significant frequency in large population cohorts (gnomAD); In silico analysis supports that this missense variant does not alter protein structure/function; Has not been previously published as pathogenic or benign to our knowledge

Labcorp Genetics (formerly Invitae), Labcorp
Classification: Uncertain significance for Familial cancer of breast; Fanconi anemia complementation group J. Last evaluated: 2021-08-06. Review status: criteria provided, single submitter. Criteria: Invitae Variant Classification Sherloc (09022015). Collection method: clinical testing. Allele origin: germline.
Comment: In summary, the available evidence is currently insufficient to determine the role of this variant in disease. Therefore, it has been classified as a Variant of Uncertain Significance. Algorithms developed to predict the effect of missense changes on protein structure and function are either unavailable or do not agree on the potential impact of this missense change (SIFT: "Deleterious"; PolyPhen-2: "Possibly Damaging"; Align-GVGD: "Class C0"). This variant has not been reported in the literature in individuals affected with BRIP1-related conditions. This variant is not present in population databases (ExAC no frequency). This sequence change replaces aspartic acid with tyrosine at codon 1080 of the BRIP1 protein (p.Asp1080Tyr). The aspartic acid residue is weakly conserved and there is a large physicochemical difference between aspartic acid and tyrosine.

NM_032043.3(BRIP1):c.3238G>T (p.Asp1080Tyr)

Gene: BRIP1 (BRCA1 interacting DNA helicase 1; minus strand). Cytogenetic location: 17q23.2.
Variant type: single nucleotide variant.
Coding change: c.3238G>T on transcript NM_032043.3 (MANE Select); coding-DNA position 3238, G replaced by T.
Protein change: p.Asp1080Tyr; replaces aspartic acid 1080 with tyrosine.
Molecular consequence: missense variant.
Genome position (GRCh38, 1-based): chr17:61,683,808, C>A on the plus strand (G>T on the coding strand, the complement: BRIP1 is on the minus strand). VCF-style: chr17-61683808-C-A. GRCh37 (hg19) VCF-style: chr17-59761169-C-A.
Other names: c.3238G>T (NM_032043.2); short protein forms D1080Y.
Identifiers: ClinVar variation 1372935 (VCV001372935.9), dbSNP rs786204230, ClinGen allele CA400479180.